The following is an entry in ClinVar:

ClinVar aggregate classification (germline): Uncertain significance (1 of 4 stars; one submission).

Conditions:
Fanconi anemia (FA). Also called: Fanconi's anemia. Identifiers: Orphanet 84, MedGen C0015625, MeSH D005199, MONDO:0019391.

Submission:

Labcorp Genetics (formerly Invitae), Labcorp
Classification: Uncertain significance for Fanconi anemia. Last evaluated: 2022-06-27. Review status: criteria provided, single submitter. Criteria: Invitae Variant Classification Sherloc (09022015). Collection method: clinical testing. Allele origin: germline.
Comment: ClinVar contains an entry for this variant (Variation ID: 526378). This variant has not been reported in the literature in individuals affected with FANCF-related conditions. This variant is not present in population databases (gnomAD no frequency). This variant, c.96_98dup, results in the insertion of 1 amino acid(s) of the FANCF protein (p.Arg33dup), but otherwise preserves the integrity of the reading frame. Experimental studies and prediction algorithms are not available or were not evaluated, and the functional significance of this variant is currently unknown. In summary, the available evidence is currently insufficient to determine the role of this variant in disease. Therefore, it has been classified as a Variant of Uncertain Significance.

NM_022725.4(FANCF):c.96_98dup (p.Arg33dup)

Gene: FANCF (FA complementation group F; minus strand). Cytogenetic location: 11p14.3.
Variant type: Duplication.
Coding change: c.96_98dup on transcript NM_022725.4 (MANE Select); coding-DNA positions 96 to 98, 3 bases duplicated (CCG; older notation c.96_98dupCCG).
Protein change: p.Arg33dup; duplicates arginine 33.
Molecular consequence: inframe insertion.
Genome position (GRCh38, 1-based): chr11:22,625,713-22,625,715, CGG duplicated on the plus strand (CCG on the coding strand, the reverse complement: FANCF is on the minus strand); duplicating any 3 consecutive bases within chr11:22,625,713-22,625,717 gives the same sequence; the c. name uses the placement nearest the transcript's 3' end. VCF-style (leftmost placement, unchanged base first): chr11-22625712-C-CCGG. GRCh37 (hg19) VCF-style: chr11-22647258-C-CCGG.
Other names: c.96_98dupCCG (NM_022725.3).
Identifiers: ClinVar variation 526378 (VCV000526378.8), dbSNP rs1554963731, ClinGen allele CA658797599.